The following is an entry in ClinVar:

NM_001009944.3(PKD1):c.2040delinsATAGG (p.Tyr680Ter)

Gene: PKD1 (polycystin 1, transient receptor potential channel interacting; minus strand). Cytogenetic location: 16p13.3.
Variant type: Indel.
Coding change: c.2040delinsATAGG on transcript NM_001009944.3 (MANE Select); coding-DNA position 2040, T replaced by ATAGG.
Protein change: p.Tyr680Ter; replaces tyrosine 680 with a stop codon.
Molecular consequence: nonsense. On other transcripts: frameshift variant (1).
Genome position (GRCh38, 1-based): chr16:2,115,435, A replaced by CCTAT on the plus strand (T replaced by ATAGG on the coding strand, the reverse complement: PKD1 is on the minus strand). VCF-style: chr16-2115435-A-CCTAT. GRCh37 (hg19) VCF-style: chr16-2165436-A-CCTAT.
Other names: c.2040delinsATAGG, p.Tyr680Ter (NM_000296.4); c.2040delTinsATAGG, p.Tyr680Terfs (NM_001009944.2); short protein forms Y680*.
Identifiers: ClinVar variation 5000496 (VCV005000496.1).
Genomic context (GRCh38, chr16:2,115,435, plus strand): 5'-CACCGAGTACTGCGCGGGGGGCCCCGCGGGAACGGAGAAGAGGAACTCTCTCCATAGCGC[A>CCTAT]TAGGGGGCCCCGGGTAGCCCTGGCCCTGACGTGCAGCCATTGGCGCAGGCCTGGGGGTGG-3'

ClinVar aggregate classification (germline): Pathogenic (1 of 4 stars; one submission).

Conditions:
PKD1-related disorder. Also called: PKD1-related condition.

Submission:

PreventionGenetics, part of Exact Sciences
Classification: Pathogenic for PKD1-related condition. Last evaluated: 2026-05-11. Review status: criteria provided, single submitter. Criteria: ACMG Guidelines, 2015. Collection method: clinical testing. Allele origin: germline.
Comment: The PKD1 c.2040delinsATAGG variant is predicted to result in premature protein termination (p.Tyr680*). To our knowledge, this variant has not been reported in the literature or in a large population database (gnomAD), indicating this variant is rare. Nonsense variants in PKD1 are expected to be pathogenic. This variant is interpreted as pathogenic.